The following is an entry in ClinVar:

NM_000108.5(DLD):c.772T>C (p.Ser258Pro)

Gene: DLD (dihydrolipoamide dehydrogenase; plus strand). Cytogenetic location: 7q31.1.
Variant type: single nucleotide variant.
Coding change: c.772T>C on transcript NM_000108.5 (MANE Select); coding-DNA position 772, T replaced by C.
Protein change: p.Ser258Pro; replaces serine 258 with proline.
Molecular consequence: missense variant.
Genome position (GRCh38, 1-based): chr7:107,915,593, T>C. VCF-style: chr7-107915593-T-C. GRCh37 (hg19) VCF-style: chr7-107556038-T-C.
Other names: c.475T>C, p.Ser159Pro (NM_001289750.1); c.703T>C, p.Ser235Pro (NM_001289751.1); c.628T>C, p.Ser210Pro (NM_001289752.1); short protein forms S258P, S159P, S235P, S210P.
Identifiers: ClinVar variation 5004907 (VCV005004907.1).
Genomic context (GRCh38, chr7:107,915,593, plus strand): 5'-GATGTGACAGCAGTTGAATTTTTAGGTCATGTAGGTGGAGTTGGAATTGATATGGAGATA[T>C]CTAAAAACTTTCAACGCATCCTTCAAAAACAGGGGTTTAAATTTAAATTGAATACAAAGG-3'
Protein context (NP_000099.2, residues 248-268): VGGVGIDMEI[Ser258Pro]KNFQRILQKQ

ClinVar aggregate classification (germline): Uncertain significance (1 of 4 stars; one submission).

Conditions:
Pyruvate dehydrogenase E3 deficiency (DLDD). Also called: Dihydrolipoamide Dehydrogenase Deficiency; DLD DEFICIENCY; E3 DEFICIENCY; Dihydrolipoamide Dehydrogenase E3 Deficiency; Dihydrolipoamide Dehydrogenase (E3) Deficiency; Lipoamide dehydrogenase deficiency, lactic acidosis due to. Identifiers: Orphanet 2394, Orphanet 765, MedGen C5574660, MONDO:0009529, OMIM 246900.

gnomAD v4.1: 5 of 1,613,852 alleles (0.00031%); highest among the groups gnomAD compares: Non-Finnish European, 0.00034%; no homozygotes.

Submission:

Myriad Genetics, Inc.
Classification: Uncertain significance for Pyruvate dehydrogenase E3 deficiency. Last evaluated: 2025-09-26. Review status: criteria provided, single submitter. Criteria: Myriad Autosomal Dominant, Autosomal Recessive and X-Linked Classification Criteria (2023). Collection method: clinical testing. Allele origin: unknown.
Comment: NM_000108.3(DLD):c.772T>C(S258P) is a missense variant classified as a variant of uncertain significance in the context of dihydrolipoamide dehydrogenase deficiency. S258P has been observed in a case with relevant disease (PMID: 37701333). Relevant functional assessments of this variant are not available in the literature. S258P has not been observed in referenced population frequency databases. In summary, there is insufficient evidence to classify NM_000108.3(DLD):c.772T>C(S258P) as pathogenic or benign. Please note: this variant was assessed in the context of healthy population screening.

Literature cited by the submitters: PubMed 37701333.